The following is an entry in ClinVar:

ClinVar aggregate classification (germline): Uncertain significance (1 of 4 stars; one submission).

Allele frequency attached by ClinVar (database versions not stated): ExAC 0.00001; gnomAD exomes 0.00001 and below 0.00001; TOPMed below 0.00001.
gnomAD v4.1: 3 of 1,210,114 alleles (0.00025%); highest among the groups gnomAD compares: Non-Finnish European, 0.00022%; no homozygotes.

Submission:

GeneDx
Classification: Uncertain significance. Last evaluated: 2025-07-31. Review status: criteria provided, single submitter. Criteria: GeneDx Variant Classification Process June 2021. Collection method: clinical testing. Allele origin: germline. Affected: yes.
Comment: Has not been previously published as pathogenic or benign to our knowledge; In silico analysis supports that this missense variant has a deleterious effect on protein structure/function

NM_031407.7(HUWE1):c.12857G>A (p.Arg4286His)

Gene: HUWE1 (HECT, UBA and WWE domain containing E3 ubiquitin protein ligase 1; minus strand). Cytogenetic location: Xp11.22.
Variant type: single nucleotide variant.
Coding change: c.12857G>A on transcript NM_031407.7 (MANE Select); coding-DNA position 12857, G replaced by A.
Protein change: p.Arg4286His; replaces arginine 4286 with histidine.
Molecular consequence: missense variant.
Genome position (GRCh38, 1-based): chrX:53,534,172, C>T on the plus strand (G>A on the coding strand, the complement: HUWE1 is on the minus strand). VCF-style: chrX-53534172-C-T. GRCh37 (hg19) VCF-style: chrX-53561133-C-T.
Other names: short protein forms R4286H.
Identifiers: ClinVar variation 1338937 (VCV001338937.3), dbSNP rs782290958, ClinGen allele CA10421119.